The following is an entry in ClinVar:

ClinVar aggregate classification (germline): Benign (0 of 4 stars; one submission).

Conditions:
ADGRL2-related disorder. Also called: ADGRL2-related condition.

Allele frequency attached by ClinVar (database versions not stated): gnomAD 0.00038; TOPMed 0.00040; ExAC 0.00100; 1000 Genomes Project 0.00180; 1000 Genomes Project 30x 0.00219.
gnomAD v4.1: 351 of 1,614,200 alleles (0.022%); highest among the groups gnomAD compares: East Asian, 0.7%; 4 homozygotes.

Submission:

PreventionGenetics, part of Exact Sciences
Classification: Benign for ADGRL2-related condition. Last evaluated: 2019-10-28. Review status: no assertion criteria provided. Collection method: clinical testing. Allele origin: germline.
Comment: This variant is classified as benign based on ACMG/AMP sequence variant interpretation guidelines (Richards et al. 2015 PMID: 25741868, with internal and published modifications).

NM_001366006.2(ADGRL2):c.3913A>G (p.Ser1305Gly)

Gene: ADGRL2 (adhesion G protein-coupled receptor L2; plus strand). Cytogenetic location: 1p31.1.
Variant type: single nucleotide variant.
Coding change: c.3913A>G on transcript NM_001366006.2 (MANE Select); coding-DNA position 3913, A replaced by G.
Protein change: p.Ser1305Gly; replaces serine 1305 with glycine.
Molecular consequence: missense variant. On other transcripts: 3 prime UTR variant (8), non-coding transcript variant (1).
Genome position (GRCh38, 1-based): chr1:81,990,648, A>G. VCF-style: chr1-81990648-A-G. GRCh37 (hg19) VCF-style: chr1-82456332-A-G.
Other names: c.3715A>G, p.Ser1239Gly (NM_001297704.3, NM_001366002.2, NM_001393351.1 and 2 more transcripts); c.*287A>G (NM_001297705.3); c.*246A>G (NM_001297706.3, NM_001366009.2, NM_001393353.1); c.3754A>G, p.Ser1252Gly (NM_001330645.3, NM_001393350.1); c.3895A>G, p.Ser1299Gly (NM_001350698.2, NM_001366003.2, NM_001366004.2 and 1 more transcripts); c.*305A>G (NM_001350699.2, NM_001393354.1); c.3913A>G, p.Ser1305Gly (NM_001366005.2); c.*273A>G (NM_001366007.2, NM_001366008.2); short protein forms S1239G, S1252G, S1299G, S1305G.
Identifiers: ClinVar variation 3045124 (VCV003045124.2), dbSNP rs146227933, ClinGen allele CA923204.